The following is an entry in ClinVar:

NM_001290043.2(TAP2):c.704G>A (p.Arg235His)

Genes: TAP2 (transporter 2, ATP binding cassette subfamily B member; minus strand), LOC107648851 (meiotic recombination hotspot TAP2; plus strand). Cytogenetic location: 6p21.32.
Variant type: single nucleotide variant.
Coding change: c.704G>A on transcript NM_001290043.2 (MANE Select); coding-DNA position 704, G replaced by A.
Protein change: p.Arg235His; replaces arginine 235 with histidine.
Molecular consequence: missense variant.
Genome position (GRCh38, 1-based): chr6:32,835,678, C>T on the plus strand (G>A on the coding strand, the complement: TAP2 is on the minus strand). VCF-style: chr6-32835678-C-T. GRCh37 (hg19) VCF-style: chr6-32803455-C-T.
Other names: c.704G>A, p.Arg235His (NM_000544.3, NM_018833.3); short protein forms R235H.
Identifiers: ClinVar variation 1380523 (VCV001380523.5), dbSNP rs148976382, ClinGen allele CA3746083.
Genomic context (GRCh38, chr6:32,835,678, plus strand): 5'-CTCAGACCTGGACTCCAGGCCCCACCTGTCTTAGTCTCCTGGAAGAAACCGAGGTCCTGG[C>T]GCAGCAGGGAGGAGAAAAGCTGCTCCCGGATCCGCAAGTTGATTCGAGACATGGTGTAGG-3'
Protein context (NP_001276972.1, residues 225-245): IREQLFSSLL[Arg235His]QDLGFFQETK

ClinVar aggregate classification (germline): Uncertain significance (1 of 4 stars; one submission).

Conditions:
MHC class I deficiency. Identifiers: Orphanet 34592, MedGen C6024714, MONDO:0011476.

Allele frequency attached by ClinVar (database versions not stated): ExAC 0.00002; TOPMed 0.00011; ESP Exome Variant Server 0.00024.
gnomAD v4.1: 29 of 1,612,918 alleles (0.0018%); highest among the groups gnomAD compares: African/African-American, 0.023%; no homozygotes.

Submission:

Labcorp Genetics (formerly Invitae), Labcorp
Classification: Uncertain significance for MHC class I deficiency 1. Last evaluated: 2021-08-31. Review status: criteria provided, single submitter. Criteria: Invitae Variant Classification Sherloc (09022015). Collection method: clinical testing. Allele origin: germline.
Comment: This sequence change replaces arginine with histidine at codon 235 of the TAP2 protein (p.Arg235His). The arginine residue is moderately conserved and there is a small physicochemical difference between arginine and histidine. This variant is present in population databases (rs148976382, ExAC 0.01%). This variant has not been reported in the literature in individuals affected with TAP2-related conditions. Algorithms developed to predict the effect of missense changes on protein structure and function output the following: SIFT: "Tolerated"; PolyPhen-2: "Not Available"; Align-GVGD: "Class C0". The histidine amino acid residue is found in multiple mammalian species, which suggests that this missense change does not adversely affect protein function. In summary, the available evidence is currently insufficient to determine the role of this variant in disease. Therefore, it has been classified as a Variant of Uncertain Significance.